The following is an entry in ClinVar:

NM_004415.4(DSP):c.7874_7875del (p.Thr2625fs)

Gene: DSP (desmoplakin; plus strand). Cytogenetic location: 6p24.3.
Variant type: Microsatellite.
Coding change: c.7874_7875del on transcript NM_004415.4 (MANE Select); coding-DNA positions 7874 to 7875, 2 bases deleted (CA; older notation c.7874_7875delCA).
Protein change: p.Thr2625fs; shifts the reading frame from threonine 2625.
Molecular consequence: frameshift variant.
Genome position (GRCh38, 1-based): chr6:7,585,136-7,585,137, CA deleted; deleting any 2 consecutive bases within chr6:7,585,133-7,585,137 gives the same sequence; the c. name uses the placement nearest the transcript's 3' end. VCF-style (leftmost placement, unchanged base first): chr6-7585132-GAC-G. GRCh37 (hg19) VCF-style: chr6-7585365-GAC-G.
Other names: c.7874_7875del (NM_004415.2); c.6077_6078del, p.Thr2026fs (NM_001008844.3); c.6545_6546del, p.Thr2182fs (NM_001319034.2); short protein forms T2026fs, T2182fs, T2625fs.
Identifiers: ClinVar variation 574161 (VCV000574161.5), dbSNP rs1561704475, ClinGen allele CA891843183.

ClinVar aggregate classification (germline): Pathogenic. Review status: criteria provided, multiple submitters, no conflicts (2 of 4 stars). 2 submissions from 2 submitters: Pathogenic (2). Last evaluated 2026-03-05.

Conditions:
Arrhythmogenic cardiomyopathy with wooly hair and keratoderma. Also called: Arrhythmogenic cardiomyopathy with woolly hair and keratoderma; Carvajal syndrome; Dilated cardiomyopathy with woolly hair and keratoderma; PALMOPLANTAR KERATODERMA WITH LEFT VENTRICULAR CARDIOMYOPATHY AND WOOLLY HAIR. Identifiers: Orphanet 65282, MedGen C1854063, MONDO:0011581, OMIM 605676.
Arrhythmogenic right ventricular dysplasia 8 (ARVD8). Also called: ARRHYTHMOGENIC RIGHT VENTRICULAR DYSPLASIA, FAMILIAL, 8; ARRHYTHMOGENIC RIGHT VENTRICULAR CARDIOMYOPATHY 8; Arrhythmogenic Right Ventricular Dysplasia/Cardiomyopathy 8. Identifiers: MedGen C1843896, MONDO:0011831, OMIM 607450.
Cardiovascular phenotype. Identifiers: MedGen CN230736.

Submissions (2):

Ambry Genetics
Classification: Pathogenic for Cardiovascular phenotype. Last evaluated: 2026-03-05. Review status: criteria provided, single submitter. Criteria: Ambry Variant Classification Scheme 2023. Collection method: clinical testing. Allele origin: germline.
Comment: The c.7874_7875delCA (p.T2625Rfs*18) alteration, located in exon 24 (coding exon 24) of the DSP gene, consists of a deletion of 2 nucleotides from position 7874 to 7875, causing a translational frameshift with a predicted alternate stop codon after 18 amino acids. This alteration occurs at the 3' terminus of the DSP gene, is not expected to trigger nonsense-mediated mRNA decay, and only impacts the last 8% of the protein. However, premature stop codons are typically deleterious in nature and the impacted region and a significant portion of the protein is affected (Ambry internal data). This variant was not reported in population-based cohorts in the Genome Aggregation Database (gnomAD). Alterations in DSP that result in haploinsufficiency or protein truncation have been reported in patients with arrhythmogenic right ventricular cardiomyopathy (ARVC) and dilated cardiomyopathy (DCM) (Fressart, 2010; Elliott, 2010; Quarta, 2011; Garcia-Pavia, 2011; Rasmussen, 2013; Pugh, 2014). This variant was reported in an individual with features consistent with ARVC (Foss-Nieradko, 2016). Based on the available evidence, this alteration is classified as pathogenic.

Labcorp Genetics (formerly Invitae), Labcorp
Classification: Pathogenic for Arrhythmogenic cardiomyopathy with wooly hair and keratoderma; Arrhythmogenic right ventricular dysplasia 8. Last evaluated: 2025-03-09. Review status: criteria provided, single submitter. Criteria: Invitae Variant Classification Sherloc (09022015). Collection method: clinical testing. Allele origin: germline.
Comment: This sequence change creates a premature translational stop signal (p.Thr2625Argfs*18) in the DSP gene. While this is not anticipated to result in nonsense mediated decay, it is expected to disrupt the last 247 amino acid(s) of the DSP protein. This variant is not present in population databases (gnomAD no frequency). This premature translational stop signal has been observed in individual(s) with ventricular arrythmia (PMID: 27698334). ClinVar contains an entry for this variant (Variation ID: 574161). This variant disrupts a region of the DSP protein in which other variant(s) (p.Glu2728Glyfs*11) have been determined to be pathogenic (internal data). This suggests that this is a clinically significant region of the protein, and that variants that disrupt it are likely to be disease-causing. For these reasons, this variant has been classified as Pathogenic.

Literature cited by the submitters: PubMed 20400443 (cited by Ambry Genetics); PubMed 20716751 (cited by Ambry Genetics); PubMed 21606390 (cited by Ambry Genetics); PubMed 21859740 (cited by Ambry Genetics); PubMed 23137101 (cited by Ambry Genetics); PubMed 24503780 (cited by Ambry Genetics); PubMed 27698334 (cited by Ambry Genetics and Labcorp Genetics (formerly Invitae), Labcorp).